The following is an entry in ClinVar:

ClinVar aggregate classification (germline): Uncertain significance (1 of 4 stars; one submission).

gnomAD v4.1: 2 of 1,497,386 alleles (0.00013%); highest among the groups gnomAD compares: Non-Finnish European, 0.000088%; no homozygotes.

Submission:

Dasa
Classification: Uncertain significance. Last evaluated: 2026-04-07. Review status: criteria provided, single submitter. Criteria: DASA Assertion Criteria. Collection method: clinical testing. Allele origin: germline.
Comment: NM_001394372.1(BICRA):c.3026C>A (p.Thr1009Asn) is a missense variant that results in the substitution of threonine with asparagine. This variant is rare in population databases. Computational prediction algorithms are consistent with a benign effect. The currently available literature and clinical evidence are not sufficient to establish a definitive association between this variant and the reported condition. Therefore, this variant is classified as a variant of uncertain significance.

NM_001394372.1(BICRA):c.3026C>A (p.Thr1009Asn)

Gene: BICRA (BRD4 interacting chromatin remodeling complex associated protein; plus strand). Cytogenetic location: 19q13.33.
Variant type: single nucleotide variant.
Coding change: c.3026C>A on transcript NM_001394372.1 (MANE Select); coding-DNA position 3026, C replaced by A.
Protein change: p.Thr1009Asn; replaces threonine 1009 with asparagine.
Molecular consequence: missense variant.
Genome position (GRCh38, 1-based): chr19:47,695,030, C>A. VCF-style: chr19-47695030-C-A. GRCh37 (hg19) VCF-style: chr19-48198287-C-A.
Other names: c.3026C>A, p.Thr1009Asn (NM_015711.3); short protein forms T1009N.
Identifiers: ClinVar variation 5020674 (VCV005020674.1).
Genomic context (GRCh38, chr19:47,695,030, plus strand): 5'-TGGGGCCCCTCACCAGCCCCGCTGCGTCTGTGCTGGTCAGTGGGCAGGCCCCATCTGGGA[C>A]CCCCACTGCCCCCAGCCACGCCCCCGCCCCGGCACCCATGGCCGCCACAGGTAGGAGAGA-3'
Protein context (NP_001381301.1, residues 999-1019): VLVSGQAPSG[Thr1009Asn]PTAPSHAPAP